The following is an entry in ClinVar:

NM_001032283.3(TMPO):c.565+1369C>G

Gene: TMPO (thymopoietin; plus strand). Cytogenetic location: 12q23.1.
Variant type: single nucleotide variant.
Coding change: c.565+1369C>G on transcript NM_001032283.3 (MANE Select); 1369 bases into the intron after coding-DNA position 565, C replaced by G.
Molecular consequence: intron variant. On other transcripts: missense variant (1).
Genome position (GRCh38, 1-based): chr12:98,533,207, C>G. VCF-style: chr12-98533207-C-G. GRCh37 (hg19) VCF-style: chr12-98926985-C-G.
Other names: p.T317S:ACC>AGC; c.950C>G, p.Thr317Ser (NM_003276.2); c.565+1369C>G (NM_001307975.2, NM_001032284.3); short protein forms T317S.
Identifiers: ClinVar variation 36877 (VCV000036877.23), dbSNP rs35969221, ClinGen allele CA282445.

ClinVar aggregate classification (germline): Benign. Review status: criteria provided, multiple submitters, no conflicts (2 of 4 stars). 9 submissions from 9 submitters: Benign (6). 3 of the submissions do not count toward it. Last evaluated 2026-02-02.

Conditions:
Cardiomyopathy (CMYO). Also called: Cardiomyopathies. Identifiers: Orphanet 167848, MedGen C0878544, MONDO:0004994, HP:0001638. Inheritance: Various modes of inheritance.
Loeys-Dietz syndrome 2 (LDS2). Also called: TGFBR2-Related Loeys-Dietz Syndrome; Marfan syndrome, type 2 (formerly); AORTIC ANEURYSM, FAMILIAL THORACIC 3; MARFAN SYNDROME, TYPE II; Marfan Syndrome type 2; Marfan like connective tissue disorder. Identifiers: Orphanet 284973, Orphanet 558, MedGen C2674574, MONDO:0012427, OMIM 610168.

Allele frequency attached by ClinVar (database versions not stated): TOPMed 0.03663; ESP Exome Variant Server 0.03860; gnomAD exomes 0.00354 and 0.00901; ExAC 0.01057; 1000 Genomes Project 0.02995; 1000 Genomes Project 30x 0.03045; gnomAD 0.03227 and 0.03471.
gnomAD v4.1: 10,338 of 1,614,042 alleles (0.64%); highest among the groups gnomAD compares: African/African-American, 11%; 488 homozygotes.

Submissions (9):

Labcorp Genetics (formerly Invitae), Labcorp
Classification: Benign for Loeys-Dietz syndrome 2. Last evaluated: 2026-02-02. Review status: criteria provided, single submitter. Criteria: Invitae Variant Classification Sherloc (09022015). Collection method: clinical testing. Allele origin: germline.

Ambry Genetics
Classification: Benign. Last evaluated: 2015-11-11. Review status: criteria provided, single submitter. Criteria: Ambry Variant Classification Scheme 2023. Collection method: clinical testing. Allele origin: germline.

GeneDx
Classification: Benign. Last evaluated: 2014-03-14. Review status: criteria provided, single submitter. Criteria: GeneDx Variant Classification (06012015). Collection method: clinical testing. Allele origin: germline. Affected: yes.
Comment: This variant is considered likely benign or benign based on one or more of the following criteria: it is a conservative change, it occurs at a poorly conserved position in the protein, it is predicted to be benign by multiple in silico algorithms, and/or has population frequency not consistent with disease.

Biesecker Lab/Clinical Genomics Section, National Institutes of Health
Classification: Benign. Last evaluated: 2013-06-24. Review status: criteria provided, single submitter. Criteria: Ng et al. (Circ Cardiovasc Genet. 2013). Collection method: research. Allele origin: unknown. Observed: 8 variant alleles. Study: ClinSeq.
Comment: The study set was not selected for affection status in relation to any cancer. Pathogenicity categories were based on literature curation. See Pubmed ID:23861362 for details.

Medical sequencing

Laboratory for Molecular Medicine, Mass General Brigham Personalized Medicine
Classification: Benign. Last evaluated: 2012-03-19. Review status: criteria provided, single submitter. Criteria: LMM Criteria. Collection method: clinical testing. Allele origin: germline. Observed: 31 variant alleles.
Comment: p.Thr317Ser in Exon 04 of TMPO: This variant is not expected to have clinical si gnificance because it has been identified in 10.9% (406/3738) of African America n chromosomes from a broad population by the NHLBI Exome Sequencing Project (dbSNP rs35969221).

Breakthrough Genomics
Classification: Benign. Review status: criteria provided, single submitter. Criteria: ACMG Guidelines, 2015. Collection method: not provided. Allele origin: germline. Inheritance: Unknown mechanism. Affected: yes.

Women's Health and Genetics/Laboratory Corporation of America, LabCorp
Classification: Benign for Cardiomyopathy. Last evaluated: 2013-05-13. Review status: no assertion criteria provided. Collection method: clinical testing. Allele origin: germline. Not counted in ClinVar's aggregate classification.

Genome Diagnostics Laboratory, University Medical Center Utrecht
Classification: Benign. Review status: no assertion criteria provided. Collection method: clinical testing. Allele origin: germline. Affected: yes. Study: VKGL Data-share Consensus. Not counted in ClinVar's aggregate classification.

Joint Genome Diagnostic Labs from Nijmegen and Maastricht, Radboudumc and MUMC+
Classification: Benign. Review status: no assertion criteria provided. Collection method: clinical testing. Allele origin: germline. Affected: yes. Study: VKGL Data-share Consensus. Not counted in ClinVar's aggregate classification.